The following is an entry in ClinVar:

NM_020338.4(ZMIZ1):c.2454dup (p.Thr819fs)

Gene: ZMIZ1 (zinc finger MIZ-type containing 1; plus strand). Cytogenetic location: 10q22.3.
Variant type: Duplication.
Coding change: c.2454dup on transcript NM_020338.4 (MANE Select); coding-DNA position 2454, one base duplicated (C; older notation c.2454dupC).
Protein change: p.Thr819fs; shifts the reading frame from threonine 819.
Molecular consequence: frameshift variant.
Genome position (GRCh38, 1-based): chr10:79,306,130, C duplicated; the last of 3 consecutive C bases (chr10:79,306,128-79,306,130); duplicating any one gives the same sequence. VCF-style (leftmost placement, unchanged base first): chr10-79306127-T-TC. GRCh37 (hg19) VCF-style: chr10-81065884-T-TC.
Other names: short protein forms T819fs.
Identifiers: ClinVar variation 3382341 (VCV003382341.3).

ClinVar aggregate classification (germline): Likely pathogenic (1 of 4 stars; one submission).

Conditions:
Neurodevelopmental disorder with dysmorphic facies and distal skeletal anomalies. Identifiers: MedGen C5231448, MONDO:0032855, OMIM 618659.

Submission:

Juno Genomics, Hangzhou Juno Genomics, Inc
Classification: Likely pathogenic for Neurodevelopmental disorder with dysmorphic facies and distal skeletal anomalies. Review status: criteria provided, single submitter. Criteria: ACMG Guidelines, 2015. Collection method: clinical testing. Allele origin: germline.
Comment: Absent from controls (or at extremely low frequency if recessive) in Genome Aggregation Database.;Null variant in a gene where loss of function (LOF) is a known mechanism of disease.